The following is an entry in ClinVar:

NM_001100.4(ACTA1):c.286C>G (p.Leu96Val)

Gene: ACTA1 (actin alpha 1, skeletal muscle; minus strand). Cytogenetic location: 1q42.13.
Variant type: single nucleotide variant.
Coding change: c.286C>G on transcript NM_001100.4 (MANE Select); coding-DNA position 286, C replaced by G.
Protein change: p.Leu96Val; replaces leucine 96 with valine.
Molecular consequence: missense variant.
Genome position (GRCh38, 1-based): chr1:229,432,724, G>C on the plus strand (C>G on the coding strand, the complement: ACTA1 is on the minus strand). VCF-style: chr1-229432724-G-C. GRCh37 (hg19) VCF-style: chr1-229568471-G-C.
Other names: short protein forms L96V.
Identifiers: ClinVar variation 1348211 (VCV001348211.6), dbSNP rs2102736312, ClinGen allele CA345150092.

ClinVar aggregate classification (germline): Likely pathogenic (1 of 4 stars; one submission).

Conditions:
Actin accumulation myopathy (CMYO2A). Also called: Nemaline myopathy type 3; Myopathy, actin, congenital, with excess of thin myofilaments; Myopathy, actin, congenital, with cores; Nemaline myopathy 3, with intranuclear rods; CONGENITAL MYOPATHY 2A, TYPICAL, AUTOSOMAL DOMINANT. Identifiers: Orphanet 98904, MedGen C3711389, MONDO:0008070, OMIM 161800.

gnomAD v4.1: 1 of 1,614,212 alleles (0.000062%); no homozygotes.

Submission:

Labcorp Genetics (formerly Invitae), Labcorp
Classification: Likely pathogenic for Actin accumulation myopathy. Last evaluated: 2021-10-03. Review status: criteria provided, single submitter. Criteria: Invitae Variant Classification Sherloc (09022015). Collection method: clinical testing. Allele origin: germline.
Comment: In summary, the currently available evidence indicates that the variant is pathogenic, but additional data are needed to prove that conclusively. Therefore, this variant has been classified as Likely Pathogenic. This variant disrupts the p.Leu96 amino acid residue in ACTA1. Other variant(s) that disrupt this residue have been determined to be pathogenic (PMID: 10508519, 15226407). This suggests that this residue is clinically significant, and that variants that disrupt this residue are likely to be disease-causing. Algorithms developed to predict the effect of sequence changes on RNA splicing suggest that this variant may create or strengthen a splice site. Advanced modeling of protein sequence and biophysical properties (such as structural, functional, and spatial information, amino acid conservation, physicochemical variation, residue mobility, and thermodynamic stability) performed at Invitae indicates that this missense variant is expected to disrupt ACTA1 protein function. This variant has not been reported in the literature in individuals affected with ACTA1-related conditions. This variant is not present in population databases (ExAC no frequency). This sequence change replaces leucine with valine at codon 96 of the ACTA1 protein (p.Leu96Val). The leucine residue is highly conserved and there is a small physicochemical difference between leucine and valine.

Literature cited by the submitters: PubMed 10508519; PubMed 15226407.